The following is an entry in ClinVar:

NM_000539.3(RHO):c.961A>G (p.Ile321Val)

Gene: RHO (rhodopsin; plus strand). Cytogenetic location: 3q22.1.
Variant type: single nucleotide variant.
Coding change: c.961A>G on transcript NM_000539.3 (MANE Select); coding-DNA position 961, A replaced by G.
Protein change: p.Ile321Val; replaces isoleucine 321 with valine.
Molecular consequence: missense variant.
Genome position (GRCh38, 1-based): chr3:129,533,632, A>G. VCF-style: chr3-129533632-A-G. GRCh37 (hg19) VCF-style: chr3-129252475-A-G.
Other names: short protein forms I321V.
Identifiers: ClinVar variation 2117123 (VCV002117123.4), dbSNP rs777274073, ClinGen allele CA354471120.

ClinVar aggregate classification (germline): Uncertain significance (1 of 4 stars; one submission).

gnomAD v4.1: 2 of 1,614,084 alleles (0.00012%); highest among the groups gnomAD compares: Non-Finnish European, 0.00017%; no homozygotes.

Submission:

Labcorp Genetics (formerly Invitae), Labcorp
Classification: Uncertain significance. Last evaluated: 2022-03-26. Review status: criteria provided, single submitter. Criteria: Invitae Variant Classification Sherloc (09022015). Collection method: clinical testing. Allele origin: germline.
Comment: This sequence change replaces isoleucine, which is neutral and non-polar, with valine, which is neutral and non-polar, at codon 321 of the RHO protein (p.Ile321Val). In summary, the available evidence is currently insufficient to determine the role of this variant in disease. Therefore, it has been classified as a Variant of Uncertain Significance. Advanced modeling of protein sequence and biophysical properties (such as structural, functional, and spatial information, amino acid conservation, physicochemical variation, residue mobility, and thermodynamic stability) performed at Invitae indicates that this missense variant is not expected to disrupt RHO protein function. This variant has not been reported in the literature in individuals affected with RHO-related conditions. This variant is present in population databases (no rsID available, gnomAD 0.0009%).